The following is an entry in ClinVar:

NM_000204.5(CFI):c.463C>T (p.Leu155Phe)

Gene: CFI (complement factor I; minus strand). Cytogenetic location: 4q25.
Variant type: single nucleotide variant.
Coding change: c.463C>T on transcript NM_000204.5 (MANE Select); coding-DNA position 463, C replaced by T.
Protein change: p.Leu155Phe; replaces leucine 155 with phenylalanine.
Molecular consequence: missense variant. On other transcripts: non-coding transcript variant (3), intron variant (1).
Genome position (GRCh38, 1-based): chr4:109,764,556, G>A on the plus strand (C>T on the coding strand, the complement: CFI is on the minus strand). VCF-style: chr4-109764556-G-A. GRCh37 (hg19) VCF-style: chr4-110685712-G-A.
Other names: c.463C>T, p.Leu155Phe (NM_001318057.2, NM_001331035.2, NM_001375278.1 and 5 more transcripts); c.-127-2864C>T (NM_001375284.1); short protein forms L155F.
Identifiers: ClinVar variation 1933684 (VCV001933684.5), dbSNP rs1467512426, ClinGen allele CA357863753.

ClinVar aggregate classification (germline): Uncertain significance (1 of 4 stars; one submission).

Allele frequency attached by ClinVar (database versions not stated): gnomAD exomes below 0.00001; TOPMed below 0.00001.
gnomAD v4.1: 1 of 1,614,102 alleles (0.000062%); highest among the groups gnomAD compares: Non-Finnish European, 0.000085%; no homozygotes.

Submission:

Labcorp Genetics (formerly Invitae), Labcorp
Classification: Uncertain significance. Last evaluated: 2022-10-25. Review status: criteria provided, single submitter. Criteria: Invitae Variant Classification Sherloc (09022015). Collection method: clinical testing. Allele origin: germline.
Comment: In summary, the available evidence is currently insufficient to determine the role of this variant in disease. Therefore, it has been classified as a Variant of Uncertain Significance. Advanced modeling of protein sequence and biophysical properties (such as structural, functional, and spatial information, amino acid conservation, physicochemical variation, residue mobility, and thermodynamic stability) performed at Invitae indicates that this missense variant is not expected to disrupt CFI protein function. This variant has not been reported in the literature in individuals affected with CFI-related conditions. This variant is not present in population databases (gnomAD no frequency). This sequence change replaces leucine, which is neutral and non-polar, with phenylalanine, which is neutral and non-polar, at codon 155 of the CFI protein (p.Leu155Phe).